The following is an entry in ClinVar:

ClinVar aggregate classification (germline): Pathogenic. Review status: reviewed by expert panel (3 of 4 stars). 4 submissions from 4 submitters: Pathogenic (1). 3 of the submissions do not count toward it. Last evaluated 2017-12-15.

Conditions:
Hereditary breast ovarian cancer syndrome. Also called: Hereditary breast and ovarian cancer syndrome (HBOC); BRCA1- and BRCA2-Associated Hereditary Breast and Ovarian Cancer; Hereditary breast and/or ovarian cancer syndrome; Hereditary breast and ovarian cancer syndrome; Hereditary breast and ovarian cancer; Breast and ovarian cancer. Identifiers: Orphanet 145, MedGen C0677776, MeSH D061325, MONDO:0003582. Disease mechanism: loss of function.
Hereditary cancer-predisposing syndrome. Also called: Neoplastic Syndromes, Hereditary; Hereditary neoplastic syndrome; Tumor predisposition; Hereditary Cancer Syndrome. Identifiers: Orphanet 140162, MedGen C0027672, MeSH D009386, MONDO:0015356.
Breast-ovarian cancer, familial, susceptibility to, 1 (BROVCA1). Also called: BRCA1 Hereditary Breast and Ovarian Cancer; OVARIAN CANCER, SUSCEPTIBILITY TO. Identifiers: Orphanet 145, MedGen C2676676, MONDO:0011450, OMIM 604370. Disease mechanism: loss of function.

Allele frequency attached by ClinVar (database versions not stated): gnomAD exomes below 0.00001.
gnomAD v4.1: 1 of 1,614,144 alleles (0.000062%); highest among the groups gnomAD compares: Non-Finnish European, 0.000085%; no homozygotes.

Submissions (4):

Evidence-based Network for the Interpretation of Germline Mutant Alleles (ENIGMA)
Classification: Pathogenic for Breast-ovarian cancer, familial, susceptibility to, 1. Last evaluated: 2017-12-15. Review status: reviewed by expert panel. Criteria: ENIGMA BRCA1/2 Classification Criteria (2017-06-29). Collection method: curation. Allele origin: germline. Study: ENIGMA.
Comment: Variant allele predicted to encode a truncated non-functional protein.

Labcorp Genetics (formerly Invitae), Labcorp
Classification: Pathogenic for Hereditary breast ovarian cancer syndrome. Last evaluated: 2024-05-07. Review status: criteria provided, single submitter. Criteria: Invitae Variant Classification Sherloc (09022015). Collection method: clinical testing. Allele origin: germline. Not counted in ClinVar's aggregate classification.
Comment: This sequence change creates a premature translational stop signal (p.Lys937*) in the BRCA1 gene. It is expected to result in an absent or disrupted protein product. Loss-of-function variants in BRCA1 are known to be pathogenic (PMID: 20104584). This variant is not present in population databases (gnomAD no frequency). This variant has not been reported in the literature in individuals affected with BRCA1-related conditions. ClinVar contains an entry for this variant (Variation ID: 438921). For these reasons, this variant has been classified as Pathogenic.

Ambry Genetics
Classification: Pathogenic for Hereditary cancer-predisposing syndrome. Last evaluated: 2016-12-30. Review status: criteria provided, single submitter. Criteria: Ambry Variant Classification Scheme 2023. Collection method: clinical testing. Allele origin: germline. Not counted in ClinVar's aggregate classification.
Comment: The p.K937* pathogenic mutation (also known as c.2809A>T), located in coding exon 9 of the BRCA1 gene, results from an A to T substitution at nucleotide position 2809. This changes the amino acid from a lysine to a stop codon within coding exon 9. This alteration is expected to result in loss of function by premature protein truncation or nonsense-mediated mRNA decay. As such, this alteration is interpreted as a disease-causing mutation.

Quest Diagnostics Nichols Institute San Juan Capistrano
Classification: Likely pathogenic. Last evaluated: 2016-10-06. Review status: criteria provided, single submitter. Criteria: Quest Diagnostics criteria. Collection method: clinical testing. Allele origin: germline. Not counted in ClinVar's aggregate classification.

Literature cited by the submitters: PubMed 20104584 (cited by Labcorp Genetics (formerly Invitae), Labcorp).

NM_007294.4(BRCA1):c.2809A>T (p.Lys937Ter)

Gene: BRCA1 (BRCA1 DNA repair associated; minus strand). Cytogenetic location: 17q21.31.
Variant type: single nucleotide variant.
Coding change: c.2809A>T on transcript NM_007294.4 (MANE Select); coding-DNA position 2809, A replaced by T.
Protein change: p.Lys937Ter; replaces lysine 937 with a stop codon.
Molecular consequence: nonsense. On other transcripts: intron variant (137).
Genome position (GRCh38, 1-based): chr17:43,092,722, T>A on the plus strand (A>T on the coding strand, the complement: BRCA1 is on the minus strand). VCF-style: chr17-43092722-T-A. GRCh37 (hg19) VCF-style: chr17-41244739-T-A.
Other names: c.524-1690A>T (NM_001408499.1, NM_001408498.1, NM_001408501.1 and 3 more transcripts); c.671-1690A>T (NM_001408422.1, NM_001408418.1, NM_001408423.1 and 2 more transcripts); c.707-1690A>T (NM_001408416.1, NM_001408413.1); c.578-1690A>T (NM_001408484.1, NM_001408478.1, NM_001408514.1 and 9 more transcripts); c.662-1690A>T (NM_001408450.1, NM_001408434.1, NM_001408447.1 and 6 more transcripts); c.785-1690A>T (NM_001408398.1, NM_001407992.1, NM_001408400.1 and 13 more transcripts); c.665-1690A>T (NM_001408440.1, NM_001408428.1, NM_001408441.1 and 12 more transcripts); c.788-1690A>T (NM_001407981.1, NM_007298.4, NM_001407978.1 and 17 more transcripts); and 41 more; short protein forms K937*, K890*, K810*, K848*, K870*, K896*, K934*, K641*.
Identifiers: ClinVar variation 438921 (VCV000438921.10), dbSNP rs1555588915, ClinGen allele CA10596375.